The following is an entry in ClinVar:

ClinVar aggregate classification (germline): Uncertain significance (1 of 4 stars; one submission).

Conditions:
Epidermolysis bullosa simplex with nail dystrophy (EBS5D). Identifiers: MedGen C4225309, MONDO:0014661, OMIM 616487.
Epidermolysis bullosa simplex, Ogna type (EBS5A). Also called: Pidermolysis bullosa simplex 5A, Ogna type; EPIDERMOLYSIS BULLOSA SIMPLEX 5A, OGNA TYPE. Identifiers: Orphanet 79401, MedGen C0432317, MONDO:0007555, OMIM 131950.
Autosomal recessive limb-girdle muscular dystrophy type 2Q (LGMDR17). Also called: MUSCULAR DYSTROPHY, LIMB-GIRDLE, AUTOSOMAL RECESSIVE 17. Identifiers: Orphanet 254361, MedGen C3150989, MONDO:0013390, OMIM 613723.
Epidermolysis bullosa simplex 5B, with muscular dystrophy (EBS5B). Also called: EPIDERMOLYSIS BULLOSA SIMPLEX AND LIMB-GIRDLE MUSCULAR DYSTROPHY; Epidermolysis bullosa simplex with muscular dystrophy. Identifiers: Orphanet 257, MedGen C2931072, MONDO:0009181, OMIM 226670.
Epidermolysis bullosa simplex 5C, with pyloric atresia (EBS5C). Also called: PLEC-Related Epidermolysis Bullosa with Pyloric Atresia; Epidermolysis bullosa simplex with pyloric atresia; PLEC1-Related Epidermolysis Bullosa with Pyloric Atresia. Identifiers: Orphanet 158684, MedGen C2677349, MONDO:0012807, OMIM 612138.

gnomAD v4.1: 2 of 1,560,222 alleles (0.00013%); highest among the groups gnomAD compares: Non-Finnish European, 0.00017%; no homozygotes.

Submission:

Labcorp Genetics (formerly Invitae), Labcorp
Classification: Uncertain significance for Autosomal recessive limb-girdle muscular dystrophy type 2Q; Epidermolysis bullosa simplex, Ogna type; Epidermolysis bullosa simplex with nail dystrophy; Epidermolysis bullosa simplex 5C, with pyloric atresia; Epidermolysis bullosa simplex 5B, with muscular dystrophy. Last evaluated: 2024-06-23. Review status: criteria provided, single submitter. Criteria: Invitae Variant Classification Sherloc (09022015). Collection method: clinical testing. Allele origin: germline.
Comment: This sequence change replaces threonine, which is neutral and polar, with arginine, which is basic and polar, at codon 1616 of the PLEC protein (p.Thr1616Arg). This variant is not present in population databases (gnomAD no frequency). This variant has not been reported in the literature in individuals affected with PLEC-related conditions. Experimental studies and prediction algorithms are not available or were not evaluated, and the functional significance of this variant is currently unknown. In summary, the available evidence is currently insufficient to determine the role of this variant in disease. Therefore, it has been classified as a Variant of Uncertain Significance.

NM_201384.3(PLEC):c.4766C>G (p.Thr1589Arg)

Gene: PLEC (plectin; minus strand). Cytogenetic location: 8q24.3.
Variant type: single nucleotide variant.
Coding change: c.4766C>G on transcript NM_201384.3 (MANE Select); coding-DNA position 4766, C replaced by G.
Protein change: p.Thr1589Arg; replaces threonine 1589 with arginine.
Molecular consequence: missense variant. On other transcripts: intron variant (1).
Genome position (GRCh38, 1-based): chr8:143,925,163, G>C on the plus strand (C>G on the coding strand, the complement: PLEC is on the minus strand). VCF-style: chr8-143925163-G-C. GRCh37 (hg19) VCF-style: chr8-144999331-G-C.
Other names: c.4847C>G, p.Thr1616Arg (NM_000445.5); c.4724C>G, p.Thr1575Arg (NM_201378.4); c.4700C>G, p.Thr1567Arg (NM_201379.3); c.5177C>G, p.Thr1726Arg (NM_201380.4); c.4670C>G, p.Thr1557Arg (NM_201381.3); c.4766C>G, p.Thr1589Arg (NM_201382.4); c.4778C>G, p.Thr1593Arg (NM_201383.3); c.4125+1621C>G (NM_001410941.1); short protein forms T1557R, T1567R, T1575R, T1589R, T1593R, T1616R, T1726R.
Identifiers: ClinVar variation 3752534 (VCV003752534.2).